The following is an entry in ClinVar:

NM_014467.3(SRPX2):c.602C>T (p.Ala201Val)

Gene: SRPX2 (sushi repeat containing protein X-linked 2; plus strand). Cytogenetic location: Xq22.1.
Variant type: single nucleotide variant.
Coding change: c.602C>T on transcript NM_014467.3 (MANE Select); coding-DNA position 602, C replaced by T.
Protein change: p.Ala201Val; replaces alanine 201 with valine.
Molecular consequence: missense variant.
Genome position (GRCh38, 1-based): chrX:100,665,312, C>T. VCF-style: chrX-100665312-C-T. GRCh37 (hg19) VCF-style: chrX-99920309-C-T.
Other names: short protein forms A201V.
Identifiers: ClinVar variation 804061 (VCV000804061.3), dbSNP rs915881767, ClinGen allele CA333080351.
Genomic context (GRCh38, chrX:100,665,312, plus strand): 5'-CCCCCAAGATCCGCTGTCCCCACTCACGTGAGAAGATGGCAGAGCCAGAGAAATTGACTG[C>T]TCGAGTATACTGGGACCCACCGTTGGTGAAAGATTCTGCTGATGGTACCATCACCAGGTG-3'
Protein context (NP_055282.1, residues 191-211): EKMAEPEKLT[Ala201Val]RVYWDPPLVK

ClinVar aggregate classification (germline): Uncertain significance. Review status: criteria provided, multiple submitters, no conflicts (2 of 4 stars). 3 submissions from 3 submitters: Uncertain significance (3). Last evaluated 2025-02-10.

Conditions:
Rolandic epilepsy, impaired intellectual development, and speech dyspraxia, X-linked. Also called: Rolandic epilepsy, impaired intellectual development, and speech dyspraxia; Rolandic epilepsy, intellectual disability, and speech dyspraxia, X-linked. Identifiers: MedGen C1845070, MONDO:0010388, OMIM 300643.

Allele frequency attached by ClinVar (database versions not stated): TOPMed 0.00001.

Submissions (3):

Dasa
Classification: Uncertain significance. Last evaluated: 2025-02-10. Review status: criteria provided, single submitter. Criteria: DASA Assertion Criteria. Collection method: clinical testing. Allele origin: germline.
Comment: NM_014467.3(SRPX2):c.602C>T (p.Ala201Val) is a missense variant that results in the substitution of alanine with valine. Multiple computational predictions support a deleterious effect on the gene or gene product. The variant is present at low frequency in population datasets. Based on the available data, this variant is classified as variant of uncertain significance.

Women's Health and Genetics/Laboratory Corporation of America, LabCorp
Classification: Uncertain significance. Last evaluated: 2024-12-31. Review status: criteria provided, single submitter. Criteria: LabCorp Variant Classification Summary - May 2015. Collection method: clinical testing. Allele origin: germline.
Comment: Variant summary: SRPX2 c.602C>T (p.Ala201Val) results in a non-conservative amino acid change located in the HYR domain profile (IPR003410) of the encoded protein sequence. Three of five in-silico tools predict a benign effect of the variant on protein function. The variant was absent in 177831 control chromosomes. The available data on variant occurrences in the general population are insufficient to allow any conclusion about variant significance. To our knowledge, no occurrence of c.602C>T in individuals affected with Rolandic Epilepsy With Mental Retardation And Speech Dyspraxia, X-Linked and no experimental evidence demonstrating its impact on protein function have been reported. ClinVar contains an entry for this variant (Variation ID: 804061). Based on the evidence outlined above, the variant was classified as uncertain significance.

Mendelics
Classification: Uncertain significance for Rolandic epilepsy, impaired intellectual development, and speech dyspraxia, X-linked. Last evaluated: 2019-05-28. Review status: criteria provided, single submitter. Criteria: Mendelics Assertion Criteria 2017. Collection method: clinical testing. Allele origin: unknown.